The following is an entry in ClinVar:

ClinVar aggregate classification (germline): Uncertain significance (1 of 4 stars; one submission).

gnomAD v4.1: 2 of 1,613,904 alleles (0.00012%); highest among the groups gnomAD compares: Admixed American, 0.0033%; no homozygotes.

Submission:

GeneDx
Classification: Uncertain significance. Last evaluated: 2025-06-25. Review status: criteria provided, single submitter. Criteria: GeneDx Variant Classification Process June 2021. Collection method: clinical testing. Allele origin: germline. Affected: yes.
Comment: Not observed at significant frequency in large population cohorts (gnomAD); In silico analysis suggests that this missense variant does not alter protein structure/function; Has not been previously published as pathogenic or benign to our knowledge

NM_194248.3(OTOF):c.3883A>C (p.Lys1295Gln)

Gene: OTOF (otoferlin; minus strand). Cytogenetic location: 2p23.3.
Variant type: single nucleotide variant.
Coding change: c.3883A>C on transcript NM_194248.3 (MANE Select); coding-DNA position 3883, A replaced by C.
Protein change: p.Lys1295Gln; replaces lysine 1295 with glutamine.
Molecular consequence: missense variant.
Genome position (GRCh38, 1-based): chr2:26,471,132, T>G on the plus strand (A>C on the coding strand, the complement: OTOF is on the minus strand). VCF-style: chr2-26471132-T-G. GRCh37 (hg19) VCF-style: chr2-26694000-T-G.
Other names: c.3883A>C, p.Lys1295Gln (NM_001287489.2); c.1582A>C, p.Lys528Gln (NM_004802.4, NM_194323.3); c.1813A>C, p.Lys605Gln (NM_194322.3); short protein forms K1295Q, K528Q, K605Q.
Identifiers: ClinVar variation 4539981 (VCV004539981.1).
Genomic context (GRCh38, chr2:26,471,132, plus strand): 5'-AATAAAGGACCCTCTCACCCCAGAGCCCCTGCATGGCCCCCACACTCACCACATCCACCT[T>G]GACAACAGCTTCAGAAGTCTGCAGAGGAACCAAGGAGACAGGGGCAGAATCAGCCACTGG-3'
Protein context (NP_919224.1, residues 1285-1305): KLDATSEAVV[Lys1295Gln]VDVAEEEKEK